The following is an entry in ClinVar:

ClinVar aggregate classification (germline): Likely benign. Review status: criteria provided, multiple submitters, no conflicts (2 of 4 stars). 3 submissions from 3 submitters: Likely benign (3). Last evaluated 2026-09-23.

Conditions:
D-2-hydroxyglutaric aciduria 1 (D2HGA1). Identifiers: Orphanet 79315, MedGen C3152055, MONDO:0024554, OMIM 600721.
D2HGDH-related disorder. Also called: D2HGDH-related condition.

Allele frequency attached by ClinVar (database versions not stated): gnomAD exomes 0.00007; ESP Exome Variant Server 0.00015; gnomAD 0.00001; TOPMed 0.00002; ExAC 0.00007.

Submissions (3):

PreventionGenetics, part of Exact Sciences
Classification: Likely benign for D2HGDH-related condition. Last evaluated: 2026-09-23. Review status: criteria provided, single submitter. Criteria: ACMG Guidelines, 2015. Collection method: clinical testing. Allele origin: germline.
Comment: This variant is classified as likely benign based on ACMG/AMP sequence variant interpretation guidelines (Richards et al. 2015 PMID: 25741868, with internal and published modifications).

Labcorp Genetics (formerly Invitae), Labcorp
Classification: Likely benign for D-2-hydroxyglutaric aciduria 1. Last evaluated: 2025-10-27. Review status: criteria provided, single submitter. Criteria: Invitae Variant Classification Sherloc (09022015). Collection method: clinical testing. Allele origin: germline.

Blueprint Genetics
Classification: Likely benign. Last evaluated: 2024-07-01. Review status: criteria provided, single submitter. Criteria: ACMG Guidelines, 2015. Collection method: clinical testing. Allele origin: germline.

NM_152783.5(D2HGDH):c.741G>A (p.Thr247=)

Gene: D2HGDH (D-2-hydroxyglutarate dehydrogenase; plus strand). Cytogenetic location: 2q37.3.
Variant type: single nucleotide variant.
Coding change: c.741G>A on transcript NM_152783.5 (MANE Select); coding-DNA position 741, G replaced by A.
Protein change: p.Thr247=; no amino-acid change (threonine 247 retained).
Molecular consequence: synonymous variant. On other transcripts: non-coding transcript variant (1).
Genome position (GRCh38, 1-based): chr2:241,744,765, G>A. VCF-style: chr2-241744765-G-A. GRCh37 (hg19) VCF-style: chr2-242684180-G-A.
Other names: c.339G>A, p.Thr113= (NM_001287249.2); c.180G>A, p.Thr60= (NM_001352824.2); c.741G>A (NM_152783.4).
Identifiers: ClinVar variation 2060574 (VCV002060574.6), dbSNP rs144403933, ClinGen allele CA2221758.
Genomic context (GRCh38, chr2:241,744,765, plus strand): 5'-CAAGGTGCTGGCCGACGGCACTGTCCTGGACTGCCTGACCTCCCTGAGGAAGGACAACAC[G>A]GGCTATGACCTGAAGCAGCTGTTCATCGGGTCGGAGGGCACTTTGGGGATCATCACCACG-3'
Protein context (NP_689996.4, residues 237-257): DCLTSLRKDN[Thr247=]GYDLKQLFIG